The following is an entry in ClinVar:

NM_017636.4(TRPM4):c.2309G>T (p.Arg770Leu)

Gene: TRPM4 (transient receptor potential cation channel subfamily M member 4; plus strand). Cytogenetic location: 19q13.33.
Variant type: single nucleotide variant.
Coding change: c.2309G>T on transcript NM_017636.4 (MANE Select); coding-DNA position 2309, G replaced by T.
Protein change: p.Arg770Leu; replaces arginine 770 with leucine.
Molecular consequence: missense variant. On other transcripts: intron variant (1).
Genome position (GRCh38, 1-based): chr19:49,196,538, G>T. VCF-style: chr19-49196538-G-T. GRCh37 (hg19) VCF-style: chr19-49699795-G-T.
Other names: c.1964G>T, p.Arg655Leu (NM_001321281.2); c.701G>T, p.Arg234Leu (NM_001321282.2); c.1787G>T, p.Arg596Leu (NM_001321283.2); c.1247G>T, p.Arg416Leu (NM_001321285.2); c.2211-3762G>T (NM_001195227.2); short protein forms R234L, R416L, R596L, R655L, R770L.
Identifiers: ClinVar variation 1717173 (VCV001717173.7), dbSNP rs1198000169, ClinGen allele CA406808793.

ClinVar aggregate classification (germline): Uncertain significance. Review status: criteria provided, multiple submitters, no conflicts (2 of 4 stars). 2 submissions from 2 submitters: Uncertain significance (2). Last evaluated 2025-06-23.

Conditions:
Cardiovascular phenotype. Identifiers: MedGen CN230736.
Progressive familial heart block type IB (PFHB1B). Identifiers: Orphanet 871, MedGen C1970298, MONDO:0011474, OMIM 604559.

gnomAD v4.1: 4 of 1,554,204 alleles (0.00026%); highest among the groups gnomAD compares: Non-Finnish European, 0.00026%; no homozygotes.

Submissions (2):

Labcorp Genetics (formerly Invitae), Labcorp
Classification: Uncertain significance for Progressive familial heart block type IB. Last evaluated: 2025-06-23. Review status: criteria provided, single submitter. Criteria: Invitae Variant Classification Sherloc (09022015). Collection method: clinical testing. Allele origin: germline.
Comment: This sequence change replaces arginine, which is basic and polar, with leucine, which is neutral and non-polar, at codon 770 of the TRPM4 protein (p.Arg770Leu). The frequency data for this variant in the population databases is considered unreliable, as metrics indicate poor data quality at this position in the gnomAD database. This variant has not been reported in the literature in individuals affected with TRPM4-related conditions. ClinVar contains an entry for this variant (Variation ID: 1717173). An algorithm developed to predict the effect of missense changes on protein structure and function (PolyPhen-2) suggests that this variant is likely to be tolerated. In summary, the available evidence is currently insufficient to determine the role of this variant in disease. Therefore, it has been classified as a Variant of Uncertain Significance.

Ambry Genetics
Classification: Uncertain significance for Cardiovascular phenotype. Last evaluated: 2021-06-11. Review status: criteria provided, single submitter. Criteria: Ambry Variant Classification Scheme 2023. Collection method: clinical testing. Allele origin: germline.
Comment: The p.R770L variant (also known as c.2309G>T), located in coding exon 17 of the TRPM4 gene, results from a G to T substitution at nucleotide position 2309. The arginine at codon 770 is replaced by leucine, an amino acid with dissimilar properties. This amino acid position is not well conserved in available vertebrate species. In addition, this alteration is predicted to be tolerated by in silico analysis. Since supporting evidence is limited at this time, the clinical significance of this alteration remains unclear.